The following is an entry in ClinVar:

ClinVar aggregate classification (germline): Pathogenic (1 of 4 stars; one submission).

Conditions:
Familial thoracic aortic aneurysm and aortic dissection (TAAD). Also called: Thoracic aortic aneurysms and dissections. Identifiers: Orphanet 91387, MedGen C4707243, MONDO:0019625.

Submission:

Ambry Genetics
Classification: Pathogenic for Familial thoracic aortic aneurysm and aortic dissection. Last evaluated: 2021-03-05. Review status: criteria provided, single submitter. Criteria: Ambry Variant Classification Scheme 2023. Collection method: clinical testing. Allele origin: germline.
Comment: The c.3975delA pathogenic mutation, located in coding exon 32 of the FBN1 gene, results from a deletion of one nucleotide at nucleotide position 3975, causing a translational frameshift with a predicted alternate stop codon (p.E1325Dfs*88). This variant was not reported in population-based cohorts in the Genome Aggregation Database (gnomAD). This alteration is expected to result in loss of function by premature protein truncation or nonsense-mediated mRNA decay. As such, this alteration is interpreted as a disease-causing mutation.

NM_000138.5(FBN1):c.3975del (p.Glu1325fs)

Gene: FBN1 (fibrillin 1; minus strand). Cytogenetic location: 15q21.1.
Variant type: Deletion.
Coding change: c.3975del on transcript NM_000138.5 (MANE Select); coding-DNA position 3975, one base deleted (A; older notation c.3975delA).
Protein change: p.Glu1325fs; shifts the reading frame from glutamic acid 1325.
Molecular consequence: frameshift variant.
Genome position (GRCh38, 1-based): chr15:48,474,640, T deleted on the plus strand (A on the coding strand, the reverse complement: FBN1 is on the minus strand); the first of 2 consecutive T bases (chr15:48,474,640-48,474,641); deleting either gives the same sequence. VCF-style (leftmost placement, unchanged base first): chr15-48474639-AT-A. GRCh37 (hg19) VCF-style: chr15-48766836-AT-A.
Other names: c.3974delA, p.Glu1325Aspfs (NM_001406716.1); c.3975delA (NM_000138.4); short protein forms E1325fs.
Identifiers: ClinVar variation 1736644 (VCV001736644.2), dbSNP rs2505518986, ClinGen allele CA2580089718.